The following is an entry in ClinVar:

NM_206937.2(LIG4):c.767_768inv (p.Ile256Lys)

Gene: LIG4 (DNA ligase 4; minus strand). Cytogenetic location: 13q33.3.
Variant type: Inversion.
Coding change: c.767_768inv on transcript NM_206937.2 (MANE Select).
Protein change: p.Ile256Lys; replaces isoleucine 256 with lysine.
Molecular consequence: missense variant.
Genome position: GRCh38 VCF-style: chr13-108210501-AA-TT. GRCh37 (hg19) VCF-style: chr13-108862849-AA-TT.
Other names: c.767_768inv, p.Ile256Lys (NM_001098268.2, NM_001352598.2, NM_001352599.2 and 6 more transcripts); c.566_567inv, p.Ile189Lys (NM_001330595.2); c.803_804inv, p.Ile268Lys (NM_001352604.2); short protein forms I189K, I268K, I256K.
Identifiers: ClinVar variation 1044678 (VCV001044678.8), ClinGen allele CA2499221943.

ClinVar aggregate classification (germline): Uncertain significance (1 of 4 stars; one submission).

Conditions:
DNA ligase IV deficiency. Identifiers: Orphanet 99812, MedGen C1847827, MONDO:0011686, OMIM 606593.

Submission:

Labcorp Genetics (formerly Invitae), Labcorp
Classification: Uncertain significance for DNA ligase IV deficiency. Last evaluated: 2020-03-01. Review status: criteria provided, single submitter. Criteria: Invitae Variant Classification Sherloc (09022015). Collection method: clinical testing. Allele origin: germline.
Comment: This sequence change replaces isoleucine with lysine at codon 256 of the LIG4 protein (p.Ile256Lys). The isoleucine residue is weakly conserved and there is a moderate physicochemical difference between isoleucine and lysine. In summary, the available evidence is currently insufficient to determine the role of this variant in disease. Therefore, it has been classified as a Variant of Uncertain Significance. Algorithms developed to predict the effect of missense changes on protein structure and function are either unavailable or do not agree on the potential impact of this missense change (SIFT: "Not Available"; PolyPhen-2: "Possibly Damaging"; Align-GVGD: "Not Available"). This variant has not been reported in the literature in individuals with LIG4-related conditions. This variant is not present in population databases (ExAC no frequency).